The following is an entry in ClinVar:

ClinVar aggregate classification (germline): Conflicting classifications of pathogenicity. Review status: criteria provided, conflicting classifications (1 of 4 stars). 2 submissions from 2 submitters: Uncertain significance (1); Likely benign (1). Last evaluated 2026-01-02.

Conditions:
Sotos syndrome (SOTOS). Also called: Distinctive facial appearance, overgrowth in childhood, and learning disabilities or delayed development; CEREBRAL GIGANTISM; Sotos' syndrome; CHROMOSOME 5q35 DELETION SYNDROME; SOTOS SYNDROME 1. Identifiers: Orphanet 821, MedGen C0175695, MONDO:0019349, OMIM 117550.

gnomAD v4.1: 2 of 1,613,972 alleles (0.00012%); highest among the groups gnomAD compares: Admixed American, 0.0033%; no homozygotes.

Submissions (2):

Centre for Medical Genetics,  Mumbai
Classification: Likely benign for Sotos syndrome. Last evaluated: 2026-01-02. Review status: criteria provided, single submitter. Criteria: ACMG Guidelines, 2015. Collection method: provider interpretation. Allele origin: germline. Inheritance: Autosomal dominant inheritance. Affected: no. Observed: 1 variant allele, 1 heterozygote.
Comment: The variant satisfies PM2 criteria; Extremely low frequency in gnomAD population databases. The variant satisfies PP2 criteria; Missense variant in a gene with low rate of benign missense mutations and for which missense mutation is a common mechanism of a disease. The variant satisfies BP4 criteria; For a missense or a splice region variant, computational prediction tools unanimously support a benign effect on the gene. However, the variant satisfies BS2 criteria.

Labcorp Genetics (formerly Invitae), Labcorp
Classification: Uncertain significance. Last evaluated: 2024-03-04. Review status: criteria provided, single submitter. Criteria: Invitae Variant Classification Sherloc (09022015). Collection method: clinical testing. Allele origin: germline.
Comment: This sequence change replaces aspartic acid, which is acidic and polar, with glutamic acid, which is acidic and polar, at codon 1101 of the NSD1 protein (p.Asp1101Glu). This variant is not present in population databases (gnomAD no frequency). This variant has not been reported in the literature in individuals affected with NSD1-related conditions. Advanced modeling of protein sequence and biophysical properties (such as structural, functional, and spatial information, amino acid conservation, physicochemical variation, residue mobility, and thermodynamic stability) performed at Invitae indicates that this missense variant is not expected to disrupt NSD1 protein function with a negative predictive value of 95%. In summary, the available evidence is currently insufficient to determine the role of this variant in disease. Therefore, it has been classified as a Variant of Uncertain Significance.

Literature cited by the submitters: PubMed 14148233 (cited by Centre for Medical Genetics,  Mumbai).

NM_022455.5(NSD1):c.3303T>A (p.Asp1101Glu)

Gene: NSD1 (nuclear receptor binding SET domain protein 1; plus strand). Cytogenetic location: 5q35.3.
Variant type: single nucleotide variant.
Coding change: c.3303T>A on transcript NM_022455.5 (MANE Select); coding-DNA position 3303, T replaced by A.
Protein change: p.Asp1101Glu; replaces aspartic acid 1101 with glutamic acid.
Molecular consequence: missense variant.
Genome position (GRCh38, 1-based): chr5:177,211,702, T>A. VCF-style: chr5-177211702-T-A. GRCh37 (hg19) VCF-style: chr5-176638703-T-A.
Other names: c.2430T>A, p.Asp810Glu (NM_001365684.2, NM_001409306.1, NM_001409307.1 and 3 more transcripts); c.3303T>A, p.Asp1101Glu (NM_001409301.1, NM_001409302.1, NM_001409303.1); c.2883T>A, p.Asp961Glu (NM_001409304.1); c.2550T>A, p.Asp850Glu (NM_001409305.1); short protein forms D1101E, D810E, D961E, D850E.
Identifiers: ClinVar variation 3703396 (VCV003703396.3).